The following is an entry in ClinVar:

NM_004145.4(MYO9B):c.1420-4A>G

Gene: MYO9B (myosin IXB; plus strand). Cytogenetic location: 19p13.11.
Variant type: single nucleotide variant.
Coding change: c.1420-4A>G on transcript NM_004145.4 (MANE Select); 4 bases into the intron before coding-DNA position 1420, A replaced by G.
Molecular consequence: intron variant.
Genome position (GRCh38, 1-based): chr19:17,162,346, A>G. VCF-style: chr19-17162346-A-G. GRCh37 (hg19) VCF-style: chr19-17273156-A-G.
Other names: c.1420-4A>G (NM_001130065.2).
Identifiers: ClinVar variation 3033338 (VCV003033338.2), dbSNP rs371359736, ClinGen allele CA9287248.
Genomic context (GRCh38, chr19:17,162,346, plus strand): 5'-CAGAGCAAGACTCCAGCGCAGGGCCTGCCGTGCCGGAGGTGAGTCACCCCCTCTGTGTCC[A>G]CAGGCCATCACTGCCCGCGACTCCATGGCCAAGTCTCTGTACAGCGCCCTGTTCGACTGG-3'

ClinVar aggregate classification (germline): Likely benign (0 of 4 stars; one submission).

Conditions:
MYO9B-related disorder. Also called: MYO9B-related condition.

Allele frequency attached by ClinVar (database versions not stated): TOPMed 0.00016; gnomAD 0.00023; 1000 Genomes Project 30x 0.00031; ExAC 0.00039; 1000 Genomes Project 0.00040; gnomAD exomes 0.00014; ESP Exome Variant Server 0.00015.
gnomAD v4.1: 240 of 1,564,466 alleles (0.015%); highest among the groups gnomAD compares: Middle Eastern, 0.066%; no homozygotes.

Submission:

PreventionGenetics, part of Exact Sciences
Classification: Likely benign for MYO9B-related condition. Last evaluated: 2019-06-13. Review status: no assertion criteria provided. Collection method: clinical testing. Allele origin: germline.
Comment: This variant is classified as likely benign based on ACMG/AMP sequence variant interpretation guidelines (Richards et al. 2015 PMID: 25741868, with internal and published modifications).